The following is an entry in ClinVar:

NM_001160372.4(TRAPPC9):c.2811-4G>A

Gene: TRAPPC9 (trafficking protein particle complex subunit 9; minus strand). Cytogenetic location: 8q24.3.
Variant type: single nucleotide variant.
Coding change: c.2811-4G>A on transcript NM_001160372.4 (MANE Select); 4 bases into the intron before coding-DNA position 2811, G replaced by A.
Molecular consequence: intron variant.
Genome position (GRCh38, 1-based): chr8:139,910,304, C>T on the plus strand (G>A on the coding strand, the complement: TRAPPC9 is on the minus strand). VCF-style: chr8-139910304-C-T. GRCh37 (hg19) VCF-style: chr8-140922548-C-T.
Other names: c.2811-4G>A (NM_031466.8); c.2784-4G>A (NM_001321646.2); c.2667-4G>A (NM_001374684.1); c.2700-4G>A (NM_001374683.1); c.2832-4G>A (NM_001374682.1); c.3105-4G>A (NM_031466.7).
Identifiers: ClinVar variation 362068 (VCV000362068.50), dbSNP rs374826041, ClinGen allele CA4892907.

ClinVar aggregate classification (germline): Conflicting classifications of pathogenicity. Review status: criteria provided, conflicting classifications (1 of 4 stars). 5 submissions from 5 submitters: Uncertain significance (1); Benign (1); Likely benign (2). 1 of the submissions does not count toward it. Last evaluated 2026-01-05.

Conditions:
Intellectual developmental disorder, autosomal recessive 13. Also called: Intellectual disability, autosomal recessive 13. Identifiers: Orphanet 88616, MedGen C2750791, MONDO:0013173, OMIM 613192.
TRAPPC9-related disorder. Also called: TRAPPC9-related condition.
Inborn genetic diseases. Identifiers: MedGen C0950123, MeSH D030342.

Allele frequency attached by ClinVar (database versions not stated): TOPMed 0.00007; ESP Exome Variant Server 0.00008; ExAC 0.00071; 1000 Genomes Project 30x 0.00203; gnomAD 0.00025 and 0.00004; 1000 Genomes Project 0.00180.
gnomAD v4.1: 541 of 1,614,068 alleles (0.034%); highest among the groups gnomAD compares: South Asian, 0.55%; 2 homozygotes.

Submissions (7):

Labcorp Genetics (formerly Invitae), Labcorp
Classification: Benign. Last evaluated: 2026-01-05. Review status: criteria provided, single submitter. Criteria: Invitae Variant Classification Sherloc (09022015). Collection method: clinical testing. Allele origin: germline.

CeGaT Center for Human Genetics Tuebingen
Classification: Likely benign. Last evaluated: 2020-09-01. Review status: criteria provided, single submitter. Criteria: CeGaT Center For Human Genetics Tuebingen Variant Classification Criteria Version 2. Collection method: clinical testing. Allele origin: germline. Affected: yes. Observed: 1 variant allele.

Ambry Genetics
Classification: Uncertain significance for Inborn genetic diseases. Last evaluated: 2019-11-20. Review status: criteria provided, single submitter. Criteria: Ambry Variant Classification Scheme 2023. Collection method: clinical testing. Allele origin: germline.
Comment: The c.3105-4G>A intronic variant results from a G to A substitution 4 nucleotides upstream from coding exon 20 in the TRAPPC9 gene. This nucleotide position is poorly conserved in available vertebrate species. Using the BDGP and ESEfinder splice site prediction tools, this alteration is not predicted to have any significant effect on this splice acceptor site; however, direct evidence is unavailable. Since supporting evidence is limited at this time, the clinical significance of this alteration remains unclear.

Illumina Laboratory Services, Illumina
Classification: Likely benign for Intellectual developmental disorder, autosomal recessive 13. Last evaluated: 2018-01-12. Review status: criteria provided, single submitter. Criteria: ICSL Variant Classification Criteria 13 December 2019. Collection method: clinical testing. Allele origin: germline.
Comment: This variant was observed in the ICSL laboratory as part of a predisposition screen in an ostensibly healthy population. It had not been previously curated by ICSL or reported in the Human Gene Mutation Database (HGMD: prior to June 1st, 2018), and was therefore a candidate for classification through an automated scoring system. Utilizing variant allele frequency, disease prevalence and penetrance estimates, and inheritance mode, an automated score was calculated to assess if this variant is too frequent to cause the disease. Based on the score and internal cut-off values, a variant classified as likely benign is not then subjected to further curation. The score for this variant resulted in a classification of likely benign for this disease.

PreventionGenetics, part of Exact Sciences
Classification: Likely benign for TRAPPC9-related condition. Last evaluated: 2019-05-08. Review status: no assertion criteria provided. Collection method: clinical testing. Allele origin: germline. Not counted in ClinVar's aggregate classification.
Comment: This variant is classified as likely benign based on ACMG/AMP sequence variant interpretation guidelines (Richards et al. 2015 PMID: 25741868, with internal and published modifications).

Dr. Peter K. Rogan Lab, Western University
No classification provided (evidence only). Condition: Ovarian serous cystadenocarcinoma. Review status: no classification provided. Collection method: in vitro. Allele origin: not applicable. Functional consequence: retained intron. Not counted in ClinVar's aggregate classification.

Dr. Peter K. Rogan Lab, Western University
No classification provided (evidence only). Condition: Ovarian serous cystadenocarcinoma. Review status: no classification provided. Collection method: in vitro. Allele origin: not applicable. Functional consequence: retained intron. Not counted in ClinVar's aggregate classification.